The following is an entry in ClinVar:

ClinVar aggregate classification (germline): Pathogenic. Review status: criteria provided, multiple submitters, no conflicts (2 of 4 stars). 4 submissions from 4 submitters: Pathogenic (3). 1 of the submissions does not count toward it. Last evaluated 2026-06-29.

Conditions:
Inborn genetic diseases. Identifiers: MedGen C0950123, MeSH D030342.
Brody myopathy. Also called: BRODY DISEASE. Identifiers: Orphanet 53347, MedGen C1832918, MONDO:0010977, OMIM 601003.

Allele frequency attached by ClinVar (database versions not stated): gnomAD 0.00001; TOPMed 0.00001.
gnomAD v4.1: 5 of 1,613,744 alleles (0.00031%); highest among the groups gnomAD compares: Admixed American, 0.0017%; no homozygotes.

Submissions (4):

Ambry Genetics
Classification: Pathogenic for Inborn genetic diseases. Last evaluated: 2026-06-29. Review status: criteria provided, single submitter. Criteria: Ambry Variant Classification Scheme 2023. Collection method: clinical testing. Allele origin: germline.
Comment: The c.592C>T (p.R198*) alteration, located in exon 7 (coding exon 7) of the ATP2A1 gene, consists of a C to T substitution at nucleotide position 592. This changes the amino acid from an arginine (R) to a stop codon at amino acid position 198. This variant is expected to result in loss of function by premature protein truncation or nonsense-mediated mRNA decay. This variant was not reported in population-based cohorts in the Genome Aggregation Database (gnomAD). This variant has been identified in the homozygous state and/or in conjunction with other ATP2A1 variant(s) in individual(s) with features consistent with Brody myopathy (Odermatt, 1996). Based on the available evidence, this alteration is classified as pathogenic.

Labcorp Genetics (formerly Invitae), Labcorp
Classification: Pathogenic for Brody myopathy. Last evaluated: 2025-03-11. Review status: criteria provided, single submitter. Criteria: Invitae Variant Classification Sherloc (09022015). Collection method: clinical testing. Allele origin: germline.
Comment: This sequence change creates a premature translational stop signal (p.Arg198*) in the ATP2A1 gene. It is expected to result in an absent or disrupted protein product. Loss-of-function variants in ATP2A1 are known to be pathogenic (PMID: 8841193, 10914677, 23911890). This variant is not present in population databases (gnomAD no frequency). This premature translational stop signal has been observed in individual(s) with Brody myopathy (PMID: 8841193). It has also been observed to segregate with disease in related individuals. ClinVar contains an entry for this variant (Variation ID: 17802). For these reasons, this variant has been classified as Pathogenic.

Juno Genomics, Hangzhou Juno Genomics, Inc
Classification: Pathogenic for Brody myopathy. Review status: criteria provided, single submitter. Criteria: ACMG Guidelines, 2015. Collection method: clinical testing. Allele origin: germline.
Comment: Absent from controls (or at extremely low frequency if recessive) in Genome Aggregation Database.;Null variant in a gene where loss of function (LOF) is a known mechanism of disease.;For recessive disorders, detected in trans with a pathogenic variant.;Co-segregation with disease in multiple affected family members.

OMIM
Classification: Pathogenic for BRODY DISEASE. Last evaluated: 1996-10-01. Review status: no assertion criteria provided. Collection method: literature only. Allele origin: germline. Not counted in ClinVar's aggregate classification.

Literature cited by the submitters: PubMed 8841193 (cited by 3 submitters); PubMed 10914677 (cited by Labcorp Genetics (formerly Invitae), Labcorp); PubMed 23911890 (cited by Labcorp Genetics (formerly Invitae), Labcorp).

NM_004320.6(ATP2A1):c.592C>T (p.Arg198Ter)

Gene: ATP2A1 (ATPase sarcoplasmic/endoplasmic reticulum Ca2+ transporting 1; plus strand). Cytogenetic location: 16p11.2.
Variant type: single nucleotide variant.
Coding change: c.592C>T on transcript NM_004320.6 (MANE Select); coding-DNA position 592, C replaced by T.
Protein change: p.Arg198Ter; replaces arginine 198 with a stop codon.
Molecular consequence: nonsense.
Genome position (GRCh38, 1-based): chr16:28,887,236, C>T. VCF-style: chr16-28887236-C-T. GRCh37 (hg19) VCF-style: chr16-28898557-C-T.
Other names: c.217C>T, p.Arg73Ter (NM_001286075.2); c.592C>T, p.Arg198Ter (NM_173201.5); c.592C>T (NM_173201.3); short protein forms R198*, R73*.
Identifiers: ClinVar variation 17802 (VCV000017802.11), dbSNP rs121918113, ClinGen allele CA127434.